The following is an entry in ClinVar:

NC_000017.11:g.50192025del

Gene: COL1A1 (collagen type I alpha 1 chain; minus strand). Cytogenetic location: 17q21.33.
Variant type: Deletion.
Genome position: GRCh38 VCF-style: chr17-50192022-AC-A. GRCh37 (hg19) VCF-style: chr17-48269383-AC-A.
Identifiers: ClinVar variation 958994 (VCV000958994.11), dbSNP rs1907143600, ClinGen allele CA1139665703.

ClinVar aggregate classification (germline): Pathogenic (1 of 4 stars; one submission).

Conditions:
Osteogenesis imperfecta type I (OI1). Also called: Lobstein's Disease; OI, TYPE I; OSTEOGENESIS IMPERFECTA TARDA; OSTEOGENESIS IMPERFECTA WITH BLUE SCLERAE; Osteogenesis imperfecta type 1; Lobstein disease. Identifiers: Orphanet 216796, Orphanet 666, MedGen C0023931, MONDO:0008146, OMIM 166200. Disease mechanism: loss of function.

Submission:

Labcorp Genetics (formerly Invitae), Labcorp
Classification: Pathogenic for Osteogenesis imperfecta type I. Last evaluated: 2019-10-23. Review status: criteria provided, single submitter. Criteria: Invitae Variant Classification Sherloc (09022015). Collection method: clinical testing. Allele origin: germline.
Comment: This variant is not present in population databases (ExAC no frequency). This variant has been observed in an individual affected with osteogenesis imperfecta type I (PMID: 30614853). Algorithms developed to predict the effect of sequence changes on RNA splicing suggest that this variant may create or strengthen a splice site, but this prediction has not been confirmed by published transcriptional studies. Loss-of-function variants in COL1A1 are known to be pathogenic (PMID: 7942841, 9295084, 9443882). For these reasons, this variant has been classified as Pathogenic. This sequence change creates a premature translational stop signal (p.Gly662Valfs*104) in the COL1A1 gene. It is expected to result in an absent or disrupted protein product.

Literature cited by the submitters: PubMed 30614853; PubMed 7942841; PubMed 9295084; PubMed 9443882.